The following is an entry in ClinVar:

ClinVar aggregate classification (germline): Uncertain significance (1 of 4 stars; one submission).

gnomAD v4.1: 3 of 1,613,110 alleles (0.00019%); highest among the groups gnomAD compares: South Asian, 0.0011%; no homozygotes.

Submission:

Ambry Genetics
Classification: Uncertain significance. Last evaluated: 2025-06-01. Review status: criteria provided, single submitter. Criteria: Ambry Variant Classification Scheme 2023. Collection method: clinical testing. Allele origin: germline.
Comment: The p.Q171R variant (also known as c.512A>G), located in coding exon 4 of the CTNNA3 gene, results from an A to G substitution at nucleotide position 512. The glutamine at codon 171 is replaced by arginine, an amino acid with highly similar properties. This amino acid position is conserved. In addition, this alteration is predicted to be tolerated by in silico analysis. Based on the available evidence, the clinical significance of this variant remains unclear.

NM_013266.4(CTNNA3):c.512A>G (p.Gln171Arg)

Gene: CTNNA3 (catenin alpha 3; minus strand). Cytogenetic location: 10q21.3.
Variant type: single nucleotide variant.
Coding change: c.512A>G on transcript NM_013266.4 (MANE Select); coding-DNA position 512, A replaced by G.
Protein change: p.Gln171Arg; replaces glutamine 171 with arginine.
Molecular consequence: missense variant.
Genome position (GRCh38, 1-based): chr10:67,521,909, T>C on the plus strand (A>G on the coding strand, the complement: CTNNA3 is on the minus strand). VCF-style: chr10-67521909-T-C. GRCh37 (hg19) VCF-style: chr10-69281667-T-C.
Other names: c.512A>G, p.Gln171Arg (NM_001127384.3); c.548A>G, p.Gln183Arg (NM_001291133.2); short protein forms Q171R, Q183R.
Identifiers: ClinVar variation 4008026 (VCV004008026.1).
Genomic context (GRCh38, chr10:67,521,909, plus strand): 5'-CGTTTGAAGGCTAAATAATCCAAATTTTCCAGCTCCTTCCCAAGCTTCTGGTAGGTTTTC[T>C]GGAGGTCAGATTTGTTGGCAACATTTTTGAGAGACTCAAATGTCCTTTGAAACTGAAATT-3'
Protein context (NP_037398.2, residues 161-181): LKNVANKSDL[Gln171Arg]KTYQKLGKEL